The following is an entry in ClinVar:

NM_032119.4(ADGRV1):c.7714C>G (p.Leu2572Val)

Gene: ADGRV1 (adhesion G protein-coupled receptor V1; plus strand). Cytogenetic location: 5q14.3.
Variant type: single nucleotide variant.
Coding change: c.7714C>G on transcript NM_032119.4 (MANE Select); coding-DNA position 7714, C replaced by G.
Protein change: p.Leu2572Val; replaces leucine 2572 with valine.
Molecular consequence: missense variant. On other transcripts: non-coding transcript variant (1).
Genome position (GRCh38, 1-based): chr5:90,694,470, C>G. VCF-style: chr5-90694470-C-G. GRCh37 (hg19) VCF-style: chr5-89990287-C-G.
Other names: short protein forms L2572V.
Identifiers: ClinVar variation 1504939 (VCV001504939.5), dbSNP rs1187525575, ClinGen allele CA360380858.

ClinVar aggregate classification (germline): Uncertain significance (1 of 4 stars; one submission).

Allele frequency attached by ClinVar (database versions not stated): gnomAD exomes 0.00001; TOPMed below 0.00001.
gnomAD v4.1: 7 of 1,613,918 alleles (0.00043%); highest among the groups gnomAD compares: Non-Finnish European, 0.00059%; no homozygotes.

Submission:

Labcorp Genetics (formerly Invitae), Labcorp
Classification: Uncertain significance. Last evaluated: 2022-04-13. Review status: criteria provided, single submitter. Criteria: Invitae Variant Classification Sherloc (09022015). Collection method: clinical testing. Allele origin: germline.
Comment: This sequence change replaces leucine, which is neutral and non-polar, with valine, which is neutral and non-polar, at codon 2572 of the ADGRV1 protein (p.Leu2572Val). This variant is present in population databases (no rsID available, gnomAD 0.002%). This variant has not been reported in the literature in individuals affected with ADGRV1-related conditions. Algorithms developed to predict the effect of missense changes on protein structure and function are either unavailable or do not agree on the potential impact of this missense change (SIFT: "Deleterious"; PolyPhen-2: "Possibly Damaging"; Align-GVGD: "Class C0"). Algorithms developed to predict the effect of sequence changes on RNA splicing suggest that this variant may create or strengthen a splice site. In summary, the available evidence is currently insufficient to determine the role of this variant in disease. Therefore, it has been classified as a Variant of Uncertain Significance.